The following is an entry in ClinVar:

NM_004827.3(ABCG2):c.-20+6341T>G

Gene: ABCG2 (ATP binding cassette subfamily G member 2 (JR blood group); minus strand). Cytogenetic location: 4q22.1.
Variant type: single nucleotide variant.
Coding change: c.-20+6341T>G on transcript NM_004827.3 (MANE Select); 6341 bases into the intron after 20 bases upstream of the start codon, T replaced by G.
Molecular consequence: intron variant.
Genome position (GRCh38, 1-based): chr4:88,152,045, A>C on the plus strand (T>G on the coding strand, the complement: ABCG2 is on the minus strand). VCF-style: chr4-88152045-A-C. GRCh37 (hg19) VCF-style: chr4-89073197-A-C.
Other names: c.-19-12031T>G (NM_001257386.2, NM_001348985.1); c.-20+6341T>G (NM_001348987.1, NM_001441210.1, NM_001441209.1 and 1 more transcripts); c.-213-1660T>G (NM_001348988.1); c.-20+7160T>G (NM_001348989.2); c.-8+6532T>G (NM_001441211.1); c.-20+6532T>G (NM_001348986.2); c.-8+6341T>G (NM_001441213.1, NM_001441212.1).
Identifiers: ClinVar variation 1236609 (VCV001236609.3), dbSNP rs9999111, ClinGen allele CA357638791.

ClinVar aggregate classification (germline): Benign (1 of 4 stars; one submission).

Allele frequency attached by ClinVar (database versions not stated): gnomAD 0.06451 and 0.06572; 1000 Genomes Project 30x 0.04950; TOPMed 0.06289; 1000 Genomes Project 0.04633.
gnomAD v4.1: 9,814 of 152,238 alleles (6.4%); highest among the groups gnomAD compares: African/African-American, 7.6%; 349 homozygotes.

Submission:

GeneDx
Classification: Benign. Last evaluated: 2019-01-09. Review status: criteria provided, single submitter. Criteria: GeneDx Variant Classification Process June 2021. Collection method: clinical testing. Allele origin: germline. Affected: yes.
Comment: This variant is associated with the following publications: (PMID: 28930109)